The following is an entry in ClinVar:

NM_173348.2(FAM149B1):c.1183C>T (p.Arg395Ter)

Genes: DNAJC9 (DnaJ heat shock protein family (Hsp40) member C9; minus strand), FAM149B1 (family with sequence similarity 149 member B1; plus strand). Cytogenetic location: 10q22.2.
Variant type: single nucleotide variant.
Coding change: c.1183C>T on transcript NM_173348.2 (MANE Select); coding-DNA position 1183, C replaced by T.
Protein change: p.Arg395Ter; replaces arginine 395 with a stop codon.
Molecular consequence: nonsense.
Genome position (GRCh38, 1-based): chr10:73,232,994, C>T. VCF-style: chr10-73232994-C-T. GRCh37 (hg19) VCF-style: chr10-74992752-C-T.
Other names: short protein forms R395*.
Identifiers: ClinVar variation 2505233 (VCV002505233.1), dbSNP rs144804269, ClinGen allele CA209591110.

ClinVar aggregate classification (germline): Likely pathogenic (1 of 4 stars; one submission).

Conditions:
Joubert syndrome 36 (JBTS36). Identifiers: MedGen C5231493, MONDO:0032902, OMIM 618763.

Allele frequency attached by ClinVar (database versions not stated): gnomAD exomes 0.00001; TOPMed 0.00020; gnomAD 0.00025; 1000 Genomes Project 30x 0.00031; 1000 Genomes Project 0.00040.
gnomAD v4.1: 58 of 1,551,998 alleles (0.0037%); highest among the groups gnomAD compares: African/African-American, 0.063%; 1 homozygote.

Submission:

Greenwood Genetic Center Diagnostic Laboratories, Greenwood Genetic Center
Classification: Likely pathogenic for Joubert syndrome 36. Last evaluated: 2023-01-23. Review status: criteria provided, single submitter. Criteria: ACMG Guidelines, 2015. Collection method: clinical testing. Allele origin: germline. Affected: yes.
Comment: PVS1, PM2